The following is an entry in ClinVar:

ClinVar aggregate classification (germline): Pathogenic (0 of 4 stars; one submission).

Conditions:
Alkaptonuria (AKU). Also called: Alkaptonuric ochronosis; Homogentisic acidura; HOMOGENTISIC ACID OXIDASE DEFICIENCY; Alcaptonuria. Identifiers: Orphanet 56, MedGen C0002066, MONDO:0008753, OMIM 203500.

Allele frequency attached by ClinVar (database versions not stated): TOPMed below 0.00001; gnomAD 0.00001.
gnomAD v4.1: 5 of 1,612,120 alleles (0.00031%); highest among the groups gnomAD compares: East Asian, 0.0022%; no homozygotes.

Submission:

Department Of Human Genetics, Institute Of Clinical And Translational Research, Biomedical Research Center, Slovak Academy Of Sciences
Classification: Pathogenic for Alkaptonuria. Review status: no assertion criteria provided. Collection method: research. Allele origin: germline. Inheritance: Autosomal recessive inheritance. Affected: yes. Observed: 3 variant alleles.
Comment: The effect on splicing has been confirmed by minigene experiments (PMID:30737480). Variant c.650-56G>A showed reduced exon 10 skipping but activated cryptic 3′ss-176 to a greater extent. Variant was originally described in PMID:9529363. It has been submitted to the HGD gene mutation database (DB-ID: AKU_00067).

Literature cited by the submitters: PubMed 9529363.

NM_000187.4(HGD):c.650-56G>A

Gene: HGD (homogentisate 1,2-dioxygenase; minus strand). Cytogenetic location: 3q13.33.
Variant type: single nucleotide variant.
Coding change: c.650-56G>A on transcript NM_000187.4 (MANE Select); 56 bases into the intron before coding-DNA position 650, G replaced by A.
Molecular consequence: intron variant.
Genome position (GRCh38, 1-based): chr3:120,644,499, C>T on the plus strand (G>A on the coding strand, the complement: HGD is on the minus strand). VCF-style: chr3-120644499-C-T. GRCh37 (hg19) VCF-style: chr3-120363346-C-T.
Identifiers: ClinVar variation 2584695 (VCV002584695.2), dbSNP rs1377948705, ClinGen allele CA897955913.